The following is an entry in ClinVar:

NM_007279.3(U2AF2):c.457G>A (p.Val153Met)

Gene: U2AF2 (U2 small nuclear RNA auxiliary factor 2; plus strand). Cytogenetic location: 19q13.42.
Variant type: single nucleotide variant.
Coding change: c.457G>A on transcript NM_007279.3 (MANE Select); coding-DNA position 457, G replaced by A.
Protein change: p.Val153Met; replaces valine 153 with methionine.
Molecular consequence: missense variant.
Genome position (GRCh38, 1-based): chr19:55,661,160, G>A. VCF-style: chr19-55661160-G-A. GRCh37 (hg19) VCF-style: chr19-56172526-G-A.
Other names: c.457G>A (NM_007279.2); c.457G>A, p.Val153Met (NM_001012478.2); short protein forms V153M.
Identifiers: ClinVar variation 1510756 (VCV001510756.7), dbSNP rs2123678169, ClinGen allele CA407562004.

ClinVar aggregate classification (germline): Pathogenic. Review status: criteria provided, multiple submitters, no conflicts (2 of 4 stars). 2 submissions from 2 submitters: Pathogenic (2). Last evaluated 2026-01-15.

Submissions (2):

Labcorp Genetics (formerly Invitae), Labcorp
Classification: Pathogenic. Last evaluated: 2026-01-15. Review status: criteria provided, single submitter. Criteria: Invitae Variant Classification Sherloc (09022015). Collection method: clinical testing. Allele origin: germline.
Comment: This sequence change replaces valine, which is neutral and non-polar, with methionine, which is neutral and non-polar, at codon 153 of the U2AF2 protein (p.Val153Met). This variant is not present in population databases (gnomAD no frequency). This missense change has been observed in individual(s) with U2AF2-related conditions (PMID: 37962958; internal data). In at least one individual the variant was observed to be de novo. ClinVar contains an entry for this variant (Variation ID: 1510756). An algorithm developed to predict the effect of missense changes on protein structure and function (PolyPhen-2) suggests that this variant is likely to be disruptive. For these reasons, this variant has been classified as Pathogenic.

GeneDx
Classification: Pathogenic. Last evaluated: 2024-01-04. Review status: criteria provided, single submitter. Criteria: GeneDx Variant Classification Process June 2021. Collection method: clinical testing. Allele origin: germline. Affected: yes.
Comment: Not observed at significant frequency in large population cohorts (gnomAD); In silico analysis supports that this missense variant has a deleterious effect on protein structure/function; Has not been previously published as pathogenic or benign to our knowledge

Literature cited by the submitters: PubMed 37962958 (cited by Labcorp Genetics (formerly Invitae), Labcorp).